The following is an entry in ClinVar:

NM_001195263.2(PDZD7):c.1084G>C (p.Gly362Arg)

Gene: PDZD7 (PDZ domain containing 7; minus strand). Cytogenetic location: 10q24.31.
Variant type: single nucleotide variant.
Coding change: c.1084G>C on transcript NM_001195263.2 (MANE Select); coding-DNA position 1084, G replaced by C.
Protein change: p.Gly362Arg; replaces glycine 362 with arginine.
Molecular consequence: missense variant.
Genome position (GRCh38, 1-based): chr10:101,019,062, C>G on the plus strand (G>C on the coding strand, the complement: PDZD7 is on the minus strand). VCF-style: chr10-101019062-C-G. GRCh37 (hg19) VCF-style: chr10-102778819-C-G.
Other names: c.1084G>C (NM_001195263.1); c.1084G>C, p.Gly362Arg (NM_001351044.2, NM_024895.5); short protein forms G362R.
Identifiers: ClinVar variation 2868861 (VCV002868861.5), dbSNP rs536348228, ClinGen allele CA5654165.
Genomic context (GRCh38, chr10:101,019,062, plus strand): 5'-TCTCCACCCGGCCTCCCGCATCGGGCTCCGTCTGCATGGCTGTGTCCGCCCGCCCCCAGC[C>G]TGGGCCGCGGCTGCCGGGCTCCTCCTGCCCGAGGCAGATGTCCATGCGGTCCGACGGCAG-3'
Protein context (NP_001182192.1, residues 352-372): GQEEPGSRGP[Gly362Arg]WGRADTAMQT

ClinVar aggregate classification (germline): Uncertain significance. Review status: criteria provided, multiple submitters, no conflicts (2 of 4 stars). 3 submissions from 3 submitters: Uncertain significance (3). Last evaluated 2024-11-26.

Conditions:
Inborn genetic diseases. Identifiers: MedGen C0950123, MeSH D030342.

gnomAD v4.1: 8 of 1,577,492 alleles (0.00051%); highest among the groups gnomAD compares: Non-Finnish European, 0.00069%; no homozygotes.

Submissions (3):

Ambry Genetics
Classification: Uncertain significance for Inborn genetic diseases. Last evaluated: 2024-11-26. Review status: criteria provided, single submitter. Criteria: Ambry Variant Classification Scheme 2023. Collection method: clinical testing. Allele origin: germline.

Blueprint Genetics
Classification: Uncertain significance. Last evaluated: 2024-09-15. Review status: criteria provided, single submitter. Criteria: ACMG Guidelines, 2015. Collection method: clinical testing. Allele origin: germline.

Labcorp Genetics (formerly Invitae), Labcorp
Classification: Uncertain significance. Last evaluated: 2023-08-01. Review status: criteria provided, single submitter. Criteria: Invitae Variant Classification Sherloc (09022015). Collection method: clinical testing. Allele origin: germline.
Comment: Advanced modeling of protein sequence and biophysical properties (such as structural, functional, and spatial information, amino acid conservation, physicochemical variation, residue mobility, and thermodynamic stability) performed at Invitae indicates that this missense variant is not expected to disrupt PDZD7 protein function. This variant has not been reported in the literature in individuals affected with PDZD7-related conditions. This variant is present in population databases (rs536348228, gnomAD 0.002%). This sequence change replaces glycine, which is neutral and non-polar, with arginine, which is basic and polar, at codon 362 of the PDZD7 protein (p.Gly362Arg). In summary, the available evidence is currently insufficient to determine the role of this variant in disease. Therefore, it has been classified as a Variant of Uncertain Significance.